The following is an entry in ClinVar:

ClinVar aggregate classification (germline): Uncertain significance (1 of 4 stars; one submission).

Conditions:
Fanconi anemia complementation group J. Also called: BRIP1-Related Fanconi Anemia. Identifiers: Orphanet 84, MedGen C1836860, MONDO:0012187, OMIM 609054.
Familial cancer of breast. Also called: BREAST CANCER, FAMILIAL; Hereditary breast cancer; hereditary breast carcinoma. Identifiers: Orphanet 227535, MedGen C0346153, MONDO:0016419, OMIM 114480. Disease mechanism: loss of function.

Submission:

Labcorp Genetics (formerly Invitae), Labcorp
Classification: Uncertain significance for Familial cancer of breast; Fanconi anemia complementation group J. Last evaluated: 2022-12-03. Review status: criteria provided, single submitter. Criteria: Invitae Variant Classification Sherloc (09022015). Collection method: clinical testing. Allele origin: germline.
Comment: In summary, the available evidence is currently insufficient to determine the role of this variant in disease. Therefore, it has been classified as a Variant of Uncertain Significance. Advanced modeling of protein sequence and biophysical properties (such as structural, functional, and spatial information, amino acid conservation, physicochemical variation, residue mobility, and thermodynamic stability) performed at Invitae indicates that this missense variant is not expected to disrupt BRIP1 protein function. This variant has not been reported in the literature in individuals affected with BRIP1-related conditions. This variant is not present in population databases (gnomAD no frequency). This sequence change replaces serine, which is neutral and polar, with threonine, which is neutral and polar, at codon 241 of the BRIP1 protein (p.Ser241Thr).

NM_032043.3(BRIP1):c.721T>A (p.Ser241Thr)

Gene: BRIP1 (BRCA1 interacting DNA helicase 1; minus strand). Cytogenetic location: 17q23.2.
Variant type: single nucleotide variant.
Coding change: c.721T>A on transcript NM_032043.3 (MANE Select); coding-DNA position 721, T replaced by A.
Protein change: p.Ser241Thr; replaces serine 241 with threonine.
Molecular consequence: missense variant.
Genome position (GRCh38, 1-based): chr17:61,808,664, A>T on the plus strand (T>A on the coding strand, the complement: BRIP1 is on the minus strand). VCF-style: chr17-61808664-A-T. GRCh37 (hg19) VCF-style: chr17-59886025-A-T.
Other names: short protein forms S241T.
Identifiers: ClinVar variation 2942025 (VCV002942025.3), dbSNP rs771542690, ClinGen allele CA400485052.